The following is an entry in ClinVar:

ClinVar aggregate classification (germline): Uncertain significance (1 of 4 stars; one submission).

Conditions:
Neurodevelopmental disorder. Identifiers: MedGen C1535926, MeSH D065886, MONDO:0700092.

gnomAD v4.1: 1 of 1,602,148 alleles (0.000062%); highest among the groups gnomAD compares: Non-Finnish European, 0.000085%; no homozygotes.

Submission:

Victorian Clinical Genetics Services, Murdoch Childrens Research Institute
Classification: Uncertain significance for Neurodevelopmental disorder. Last evaluated: 2024-10-09. Review status: criteria provided, single submitter. Criteria: ACMG Guidelines, 2015. Collection method: clinical testing. Allele origin: germline. Inheritance: Autosomal dominant inheritance. Affected: yes.
Comment: Based on the classification scheme VCGS_Germline_v1.3.4, this variant is classified as VUS-3A. Following criteria are met: 0105 - The mechanism of disease for this gene is not clearly established. However, gain-of-function has been demonstrated for the single variant reported thus far (PMID: 28192369). (I) 0107 - This gene is associated with autosomal dominant disease (PMID: 28192369; unpublished data, personal communications). (I) 0200 - Variant is predicted to result in a missense amino acid change from glycine to arginine. (I) 0251 - This variant is heterozygous. (I) 0302 - Variant is present in gnomAD (v3) <0.001 for a dominant condition (1 heterozygote, 0 homozygotes). (SP) 0501 - Missense variant consistently predicted to be damaging by multiple in silico tools or highly conserved with a major amino acid change. (SP) 0604 - Variant is not located in an established domain, motif, hotspot or informative constraint region. (I) 0705 - No comparable missense variants have previous evidence for pathogenicity. (I) 0807 - This variant has no previous evidence of pathogenicity. (I) 0905 - No published segregation evidence has been identified for this variant. (I) 1007 - No published functional evidence has been identified for this variant. (SP) Legend: (SP) - Supporting pathogenic, (I) - Information, (SB) - Supporting benign

Literature cited by the submitters: PubMed 28192369.

NM_001080421.3(UNC13A):c.2008G>C (p.Gly670Arg)

Gene: UNC13A (unc-13 homolog A; minus strand). Cytogenetic location: 19p13.11.
Variant type: single nucleotide variant.
Coding change: c.2008G>C on transcript NM_001080421.3 (MANE Select); coding-DNA position 2008, G replaced by C.
Protein change: p.Gly670Arg; replaces glycine 670 with arginine.
Molecular consequence: missense variant.
Genome position (GRCh38, 1-based): chr19:17,647,301, C>G on the plus strand (G>C on the coding strand, the complement: UNC13A is on the minus strand). VCF-style: chr19-17647301-C-G. GRCh37 (hg19) VCF-style: chr19-17758110-C-G.
Other names: c.2002G>C, p.Gly668Arg (NM_001387021.1, NM_001387022.1, NM_001387023.1); short protein forms G668R, G670R.
Identifiers: ClinVar variation 3377286 (VCV003377286.1).